The following is an entry in ClinVar:

ClinVar aggregate classification (germline): Uncertain significance (1 of 4 stars; one submission).

Conditions:
Idiopathic generalized epilepsy. Also called: EIG; Generalised epilepsy. Identifiers: MedGen C0270850, MONDO:0005579, OMIM 600669.
Hyperaldosteronism, familial, type IV (HALD4). Also called: FH IV; ALDOSTERONISM, PRIMARY, AND HYPERTENSION. Identifiers: Orphanet 642671, MedGen C4310756, MONDO:0014875, OMIM 617027.

Allele frequency attached by ClinVar (database versions not stated): TOPMed below 0.00001; gnomAD 0.00001.
gnomAD v4.1: 13 of 1,552,020 alleles (0.00084%); highest among the groups gnomAD compares: Non-Finnish European, 0.001%; no homozygotes.

Submission:

Labcorp Genetics (formerly Invitae), Labcorp
Classification: Uncertain significance for Idiopathic generalized epilepsy; Hyperaldosteronism, familial, type IV. Last evaluated: 2023-05-15. Review status: criteria provided, single submitter. Criteria: Invitae Variant Classification Sherloc (09022015). Collection method: clinical testing. Allele origin: germline.
Comment: The frequency data for this variant in the population databases is considered unreliable, as metrics indicate poor data quality at this position in the gnomAD database. This sequence change replaces alanine, which is neutral and non-polar, with valine, which is neutral and non-polar, at codon 802 of the CACNA1H protein (p.Ala802Val). This variant has not been reported in the literature in individuals affected with CACNA1H-related conditions. In summary, the available evidence is currently insufficient to determine the role of this variant in disease. Therefore, it has been classified as a Variant of Uncertain Significance. Experimental studies have shown that this missense change affects CACNA1H function (PMID: 36397158). Advanced modeling of protein sequence and biophysical properties (such as structural, functional, and spatial information, amino acid conservation, physicochemical variation, residue mobility, and thermodynamic stability) performed at Invitae indicates that this missense variant is expected to disrupt CACNA1H protein function. ClinVar contains an entry for this variant (Variation ID: 1356221).

Literature cited by the submitters: PubMed 36397158.

NM_021098.3(CACNA1H):c.2405C>T (p.Ala802Val)

Gene: CACNA1H (calcium voltage-gated channel subunit alpha1 H; plus strand). Cytogenetic location: 16p13.3.
Variant type: single nucleotide variant.
Coding change: c.2405C>T on transcript NM_021098.3 (MANE Select); coding-DNA position 2405, C replaced by T.
Protein change: p.Ala802Val; replaces alanine 802 with valine.
Molecular consequence: missense variant.
Genome position (GRCh38, 1-based): chr16:1,204,412, C>T. VCF-style: chr16-1204412-C-T. GRCh37 (hg19) VCF-style: chr16-1254412-C-T.
Other names: c.2405C>T, p.Ala802Val (NM_001005407.2); short protein forms A802V.
Identifiers: ClinVar variation 1356221 (VCV001356221.8), dbSNP rs781441262, ClinGen allele CA394166523.